The following is an entry in ClinVar:

ClinVar aggregate classification (germline): Uncertain significance (1 of 4 stars; one submission).

Submission:

Labcorp Genetics (formerly Invitae), Labcorp
Classification: Uncertain significance. Last evaluated: 2021-05-22. Review status: criteria provided, single submitter. Criteria: Invitae Variant Classification Sherloc (09022015). Collection method: clinical testing. Allele origin: germline.
Comment: In summary, the available evidence is currently insufficient to determine the role of this variant in disease. Therefore, it has been classified as a Variant of Uncertain Significance. Algorithms developed to predict the effect of missense changes on protein structure and function are either unavailable or do not agree on the potential impact of this missense change (SIFT: "Deleterious"; PolyPhen-2: "Probably Damaging"; Align-GVGD: "Class C0"). This variant has not been reported in the literature in individuals with PPP2CA-related conditions. This variant is not present in population databases (ExAC no frequency). This sequence change replaces arginine with cysteine at codon 185 of the PPP2CA protein (p.Arg185Cys). The arginine residue is highly conserved and there is a large physicochemical difference between arginine and cysteine.

NM_002715.4(PPP2CA):c.553C>T (p.Arg185Cys)

Gene: PPP2CA (protein phosphatase 2 catalytic subunit alpha; minus strand). Cytogenetic location: 5q31.1.
Variant type: single nucleotide variant.
Coding change: c.553C>T on transcript NM_002715.4 (MANE Select); coding-DNA position 553, C replaced by T.
Protein change: p.Arg185Cys; replaces arginine 185 with cysteine.
Molecular consequence: missense variant. On other transcripts: non-coding transcript variant (1).
Genome position (GRCh38, 1-based): chr5:134,201,008, G>A on the plus strand (C>T on the coding strand, the complement: PPP2CA is on the minus strand). VCF-style: chr5-134201008-G-A. GRCh37 (hg19) VCF-style: chr5-133536699-G-A.
Other names: c.358C>T, p.Arg120Cys (NM_001355019.2); short protein forms R185C, R120C.
Identifiers: ClinVar variation 1521789 (VCV001521789.8), dbSNP rs2149383151, ClinGen allele CA360992665.